The following is an entry in ClinVar:

NM_002878.4(RAD51D):c.778C>T (p.Leu260Phe)

Genes: RAD51L3-RFFL (RAD51L3-RFFL readthrough; minus strand), RAD51D (RAD51 paralog D; minus strand). Cytogenetic location: 17q12.
Variant type: single nucleotide variant.
Coding change: c.778C>T on transcript NM_002878.4 (MANE Select); coding-DNA position 778, C replaced by T.
Protein change: p.Leu260Phe; replaces leucine 260 with phenylalanine.
Molecular consequence: missense variant. On other transcripts: non-coding transcript variant (3).
Genome position (GRCh38, 1-based): chr17:35,101,326, G>A on the plus strand (C>T on the coding strand, the complement: RAD51D is on the minus strand). VCF-style: chr17-35101326-G-A. GRCh37 (hg19) VCF-style: chr17-33428345-G-A.
Other names: c.838C>T, p.Leu280Phe (NM_001142571.2); c.442C>T, p.Leu148Phe (NM_133629.3); short protein forms L260F, L280F, L148F.
Identifiers: ClinVar variation 2700987 (VCV002700987.3), dbSNP rs2142412146, ClinGen allele CA399086873.

ClinVar aggregate classification (germline): Uncertain significance (1 of 4 stars; one submission).

Conditions:
Breast-ovarian cancer, familial, susceptibility to, 4. Identifiers: Orphanet 145, MedGen C3280345, MONDO:0013669, OMIM 614291.

Submission:

Labcorp Genetics (formerly Invitae), Labcorp
Classification: Uncertain significance for Breast-ovarian cancer, familial, susceptibility to, 4. Last evaluated: 2023-12-05. Review status: criteria provided, single submitter. Criteria: Invitae Variant Classification Sherloc (09022015). Collection method: clinical testing. Allele origin: germline.
Comment: This sequence change replaces leucine, which is neutral and non-polar, with phenylalanine, which is neutral and non-polar, at codon 260 of the RAD51D protein (p.Leu260Phe). This variant is not present in population databases (gnomAD no frequency). This variant has not been reported in the literature in individuals affected with RAD51D-related conditions. Advanced modeling of protein sequence and biophysical properties (such as structural, functional, and spatial information, amino acid conservation, physicochemical variation, residue mobility, and thermodynamic stability) performed at Invitae indicates that this missense variant is not expected to disrupt RAD51D protein function with a negative predictive value of 80%. In summary, the available evidence is currently insufficient to determine the role of this variant in disease. Therefore, it has been classified as a Variant of Uncertain Significance.